The following is an entry in ClinVar:

ClinVar aggregate classification (germline): Likely benign (1 of 4 stars; one submission).

Conditions:
Exudative vitreoretinopathy 7. Identifiers: MedGen C4539767, MONDO:0033123, OMIM 617572.

Submission:

Centre for Medical Genetics,  Mumbai
Classification: Likely benign for Exudative vitreoretinopathy 7. Last evaluated: 2026-03-20. Review status: criteria provided, single submitter. Criteria: ACMG Guidelines, 2015. Collection method: provider interpretation. Allele origin: germline. Inheritance: Autosomal dominant inheritance. Affected: no. Observed: 1 variant allele, 1 heterozygote.
Comment: The variant satisfies PM2 criteria; Extremely low frequency in gnomAD population databases. The variant satisfies PP2 criteria; Missense variant in a gene with low rate of benign missense mutations and for which missense mutation is a common mechanism of a disease. However, the variant satisfies BS2 criteria.

Literature cited by the submitters: PubMed 28575650.

NM_001904.4(CTNNB1):c.672T>A (p.His224Gln)

Genes: CTNNB1 (catenin beta 1; plus strand), LOC126806658 (BRD4-independent group 4 enhancer GRCh37_chr3:41265899-41267098; plus strand). Cytogenetic location: 3p22.1.
Variant type: single nucleotide variant.
Coding change: c.672T>A on transcript NM_001904.4 (MANE Select); coding-DNA position 672, T replaced by A.
Protein change: p.His224Gln; replaces histidine 224 with glutamine.
Molecular consequence: missense variant.
Genome position (GRCh38, 1-based): chr3:41,225,510, T>A. VCF-style: chr3-41225510-T-A. GRCh37 (hg19) VCF-style: chr3-41267001-T-A.
Other names: c.672T>A, p.His224Gln (NM_001438874.1, NM_001438875.1, NM_001098209.2 and 4 more transcripts); c.651T>A, p.His217Gln (NM_001330729.2); short protein forms H217Q, H224Q.
Identifiers: ClinVar variation 4819567 (VCV004819567.1).